The following is an entry in ClinVar:

ClinVar aggregate classification (germline): Uncertain significance (1 of 4 stars; one submission).

Conditions:
Pitt-Hopkins-like syndrome 2 (PTHSL2). Identifiers: Orphanet 221150, Orphanet 600663, MedGen C3280479, MONDO:0013690, OMIM 614325.

Allele frequency attached by ClinVar (database versions not stated): gnomAD 0.00001; TOPMed 0.00002.
gnomAD v4.1: 2 of 1,613,442 alleles (0.00012%); highest among the groups gnomAD compares: Admixed American, 0.0017%; no homozygotes.

Submission:

Labcorp Genetics (formerly Invitae), Labcorp
Classification: Uncertain significance for Pitt-Hopkins-like syndrome 2. Last evaluated: 2024-10-24. Review status: criteria provided, single submitter. Criteria: Invitae Variant Classification Sherloc (09022015). Collection method: clinical testing. Allele origin: germline.
Comment: This sequence change replaces alanine, which is neutral and non-polar, with threonine, which is neutral and polar, at codon 791 of the NRXN1 protein (p.Ala791Thr). This variant is not present in population databases (gnomAD no frequency). This variant has not been reported in the literature in individuals affected with NRXN1-related conditions. ClinVar contains an entry for this variant (Variation ID: 934299). An algorithm developed to predict the effect of missense changes on protein structure and function (PolyPhen-2) suggests that this variant is likely to be disruptive. In summary, the available evidence is currently insufficient to determine the role of this variant in disease. Therefore, it has been classified as a Variant of Uncertain Significance.

NM_001330078.2(NRXN1):c.2251G>A (p.Ala751Thr)

Gene: NRXN1 (neurexin 1; minus strand). Cytogenetic location: 2p16.3.
Variant type: single nucleotide variant.
Coding change: c.2251G>A on transcript NM_001330078.2 (MANE Select); coding-DNA position 2251, G replaced by A.
Protein change: p.Ala751Thr; replaces alanine 751 with threonine.
Molecular consequence: missense variant.
Genome position (GRCh38, 1-based): chr2:50,531,323, C>T on the plus strand (G>A on the coding strand, the complement: NRXN1 is on the minus strand). VCF-style: chr2-50531323-C-T. GRCh37 (hg19) VCF-style: chr2-50758461-C-T.
Other names: c.2371G>A, p.Ala791Thr (NM_001135659.3); c.2227G>A, p.Ala743Thr (NM_001330077.2, NM_001330082.2, NM_001330095.2); c.2212G>A, p.Ala738Thr (NM_001330083.2, NM_001330084.2); c.2251G>A, p.Ala751Thr (NM_001330085.2, NM_001330086.2, NM_004801.6); c.2167G>A, p.Ala723Thr (NM_001330087.2, NM_001330096.2); c.2197G>A, p.Ala733Thr (NM_001330088.2); c.2248G>A, p.Ala750Thr (NM_001330093.2); c.2239G>A, p.Ala747Thr (NM_001330094.2); short protein forms A723T, A733T, A747T, A751T, A791T, A738T, A743T, A750T.
Identifiers: ClinVar variation 934299 (VCV000934299.6), dbSNP rs933060457, ClinGen allele CA47312921.